The following is an entry in ClinVar:

NM_001386140.1(MTTP):c.580T>C (p.Cys194Arg)

Gene: MTTP (microsomal triglyceride transfer protein; plus strand). Cytogenetic location: 4q23.
Variant type: single nucleotide variant.
Coding change: c.580T>C on transcript NM_001386140.1 (MANE Select); coding-DNA position 580, T replaced by C.
Protein change: p.Cys194Arg; replaces cysteine 194 with arginine.
Molecular consequence: missense variant.
Genome position (GRCh38, 1-based): chr4:99,591,313, T>C. VCF-style: chr4-99591313-T-C. GRCh37 (hg19) VCF-style: chr4-100512470-T-C.
Other names: c.580T>C, p.Cys194Arg (NM_000253.4); c.331T>C, p.Cys111Arg (NM_001300785.2); short protein forms C194R, C111R.
Identifiers: ClinVar variation 834363 (VCV000834363.6), dbSNP rs1725413590, ClinGen allele CA357504562.
Genomic context (GRCh38, chr4:99,591,313, plus strand): 5'-TGTAAAGTGACCTACCAGGCTCATCAAGACAAAGTGATCAAAATTAAGGCCTTGGATTCA[T>C]GCAAAATAGCGAGGTCTGGATTTACGACCCCAAATCAGGTATGATAGATGTCACTTTCTT-3'
Protein context (NP_001373069.1, residues 184-204): KVIKIKALDS[Cys194Arg]KIARSGFTTP

ClinVar aggregate classification (germline): Uncertain significance (1 of 4 stars; one submission).

Allele frequency attached by ClinVar (database versions not stated): gnomAD exomes below 0.00001.
gnomAD v4.1: 1 of 1,614,032 alleles (0.000062%); highest among the groups gnomAD compares: Non-Finnish European, 0.000085%; no homozygotes.

Submission:

Labcorp Genetics (formerly Invitae), Labcorp
Classification: Uncertain significance. Last evaluated: 2024-03-11. Review status: criteria provided, single submitter. Criteria: Invitae Variant Classification Sherloc (09022015). Collection method: clinical testing. Allele origin: germline.
Comment: This sequence change replaces cysteine, which is neutral and slightly polar, with arginine, which is basic and polar, at codon 194 of the MTTP protein (p.Cys194Arg). This variant is not present in population databases (gnomAD no frequency). This variant has not been reported in the literature in individuals affected with MTTP-related conditions. ClinVar contains an entry for this variant (Variation ID: 834363). Advanced modeling of protein sequence and biophysical properties (such as structural, functional, and spatial information, amino acid conservation, physicochemical variation, residue mobility, and thermodynamic stability) performed at Invitae indicates that this missense variant is expected to disrupt MTTP protein function with a positive predictive value of 80%. In summary, the available evidence is currently insufficient to determine the role of this variant in disease. Therefore, it has been classified as a Variant of Uncertain Significance.